The following is an entry in ClinVar:

NM_001257975.2(CIZ1):c.45G>T (p.Ala15=)

Gene: CIZ1 (CDKN1A interacting zinc finger protein 1; minus strand). Cytogenetic location: 9q34.11.
Variant type: single nucleotide variant.
Coding change: c.45G>T on transcript NM_001257975.2; coding-DNA position 45, G replaced by T.
Protein change: p.Ala15=; no amino-acid change (alanine 15 retained).
Molecular consequence: synonymous variant. On other transcripts: intron variant (2).
Genome position (GRCh38, 1-based): chr9:128,191,895, C>A on the plus strand (G>T on the coding strand, the complement: CIZ1 is on the minus strand). VCF-style: chr9-128191895-C-A. GRCh37 (hg19) VCF-style: chr9-130954174-C-A.
Other names: c.-5-1033G>T (NM_001131015.2, NM_012127.3).
Identifiers: ClinVar variation 1174752 (VCV001174752.9), dbSNP rs144814370, ClinGen allele CA5257705.

ClinVar aggregate classification (germline): Likely benign. Review status: criteria provided, single submitter (1 of 4 stars). 4 submissions from 4 submitters: Likely benign (1). 3 of the submissions do not count toward it. Last evaluated 2024-11-26.

Conditions:
CIZ1-related disorder. Also called: CIZ1-related condition.

Allele frequency attached by ClinVar (database versions not stated): ExAC 0.00070; gnomAD 0.00367 and 0.00390; 1000 Genomes Project 30x 0.00141; 1000 Genomes Project 0.00100; gnomAD exomes 0.00250.
gnomAD v4.1: 6,480 of 1,445,730 alleles (0.45%); highest among the groups gnomAD compares: Non-Finnish European, 0.51%; 18 homozygotes.

Submissions (4):

Blueprint Genetics
Classification: Likely benign. Last evaluated: 2024-11-26. Review status: criteria provided, single submitter. Criteria: ACMG Guidelines, 2015. Collection method: clinical testing. Allele origin: germline.

PreventionGenetics, part of Exact Sciences
Classification: Benign for CIZ1-related condition. Last evaluated: 2019-10-01. Review status: no assertion criteria provided. Collection method: clinical testing. Allele origin: germline. Not counted in ClinVar's aggregate classification.
Comment: This variant is classified as benign based on ACMG/AMP sequence variant interpretation guidelines (Richards et al. 2015 PMID: 25741868, with internal and published modifications).

Clinical Genetics DNA and cytogenetics Diagnostics Lab, Erasmus MC, Erasmus Medical Center
Classification: Likely benign. Review status: no assertion criteria provided. Collection method: clinical testing. Allele origin: germline. Affected: yes. Study: VKGL Data-share Consensus. Not counted in ClinVar's aggregate classification.

Diagnostic Laboratory, Department of Genetics, University Medical Center Groningen
Classification: Likely benign. Review status: no assertion criteria provided. Collection method: clinical testing. Allele origin: germline. Affected: yes. Study: VKGL Data-share Consensus. Not counted in ClinVar's aggregate classification.